The following is an entry in ClinVar:

ClinVar aggregate classification (germline): Likely pathogenic (1 of 4 stars; one submission).

Conditions:
Miller syndrome (POADS). Also called: GENEE-WIEDEMANN SYNDROME; Genee-Wiedemann acrofacial dysostosis. Identifiers: Orphanet 246, MedGen C0265257, MONDO:0009903, OMIM 263750.

gnomAD v4.1: 51 of 1,613,960 alleles (0.0032%); highest among the groups gnomAD compares: Non-Finnish European, 0.004%; no homozygotes.

Submission:

Dasa
Classification: Likely pathogenic for postaxial acrofacial dysostosis. Last evaluated: 2025-03-10. Review status: criteria provided, single submitter. Criteria: DASA Assertion Criteria. Collection method: clinical testing. Allele origin: germline.
Comment: NM_001361.5(DHODH):c.976C>T (p.Arg326*) is a nonsense variant in DHODH predicted to introduce a premature termination codon and is predicted to result in an absent or altered protein product. Loss of function is an established disease mechanism for DHODH-associated disorders. Also, this variant is rare in population databases. Based on the currently available evidence, this variant is classified as likely pathogenic.

NM_001361.5(DHODH):c.976C>T (p.Arg326Ter)

Genes: DHODH (dihydroorotate dehydrogenase (quinone); plus strand), LOC126862390 (MED14-independent group 3 enhancer GRCh37_chr16:72057307-72058506; plus strand). Cytogenetic location: 16q22.2.
Variant type: single nucleotide variant.
Coding change: c.976C>T on transcript NM_001361.5 (MANE Select); coding-DNA position 976, C replaced by T.
Protein change: p.Arg326Ter; replaces arginine 326 with a stop codon.
Molecular consequence: nonsense.
Genome position (GRCh38, 1-based): chr16:72,023,476, C>T. VCF-style: chr16-72023476-C-T. GRCh37 (hg19) VCF-style: chr16-72057375-C-T.
Other names: short protein forms R326*.
Identifiers: ClinVar variation 4884015 (VCV004884015.2).